The following is an entry in ClinVar:

ClinVar aggregate classification (germline): Benign. Review status: criteria provided, single submitter (1 of 4 stars). 2 submissions from 2 submitters: Benign (1). 1 of the submissions does not count toward it. Last evaluated 2023-02-01.

Conditions:
EPPK1-related disorder. Also called: EPPK1-related condition.

Allele frequency attached by ClinVar (database versions not stated): gnomAD exomes 0.00059; ExAC 0.00173; ESP Exome Variant Server 0.00407; gnomAD 0.00449; TOPMed 0.00524; 1000 Genomes Project 0.00599; 1000 Genomes Project 30x 0.00625.
gnomAD v4.1: 1,599 of 1,609,862 alleles (0.099%); highest among the groups gnomAD compares: African/African-American, 1.4%; 15 homozygotes.

Submissions (2):

CeGaT Center for Human Genetics Tuebingen
Classification: Benign. Last evaluated: 2023-02-01. Review status: criteria provided, single submitter. Criteria: CeGaT Center For Human Genetics Tuebingen Variant Classification Criteria Version 2. Collection method: clinical testing. Allele origin: germline. Affected: yes. Observed: 1 variant allele.
Comment: EPPK1: BP4, BS1, BS2

PreventionGenetics, part of Exact Sciences
Classification: Benign for EPPK1-related condition. Last evaluated: 2021-04-20. Review status: no assertion criteria provided. Collection method: clinical testing. Allele origin: germline. Not counted in ClinVar's aggregate classification.
Comment: This variant is classified as benign based on ACMG/AMP sequence variant interpretation guidelines (Richards et al. 2015 PMID: 25741868, with internal and published modifications).

NM_031308.4(EPPK1):c.2558G>A (p.Arg853His)

Gene: EPPK1 (epiplakin 1; minus strand). Cytogenetic location: 8q24.3.
Variant type: single nucleotide variant.
Coding change: c.2558G>A on transcript NM_031308.4 (MANE Select); coding-DNA position 2558, G replaced by A.
Protein change: p.Arg853His; replaces arginine 853 with histidine.
Molecular consequence: missense variant.
Genome position (GRCh38, 1-based): chr8:143,870,696, C>T on the plus strand (G>A on the coding strand, the complement: EPPK1 is on the minus strand). VCF-style: chr8-143870696-C-T. GRCh37 (hg19) VCF-style: chr8-144944864-C-T.
Other names: short protein forms R853H.
Identifiers: ClinVar variation 2499082 (VCV002499082.29), dbSNP rs182198840, ClinGen allele CA4923026.